The following is an entry in ClinVar:

NM_005257.6(GATA6):c.1498_1501del (p.Lys500fs)

Gene: GATA6 (GATA binding protein 6; plus strand). Cytogenetic location: 18q11.2.
Variant type: Microsatellite.
Coding change: c.1498_1501del on transcript NM_005257.6 (MANE Select); coding-DNA positions 1498 to 1501, 4 bases deleted (AAAT; older notation c.1498_1501delAAAT).
Protein change: p.Lys500fs; shifts the reading frame from lysine 500.
Molecular consequence: frameshift variant.
Genome position (GRCh38, 1-based): chr18:22,182,826-22,182,829, AAAT deleted; deleting any 4 consecutive bases within chr18:22,182,820-22,182,829 gives the same sequence; the c. name uses the placement nearest the transcript's 3' end. VCF-style (leftmost placement, unchanged base first): chr18-22182819-CATAA-C. GRCh37 (hg19) VCF-style: chr18-19762780-CATAA-C.
Other names: short protein forms K500fs.
Identifiers: ClinVar variation 3061267 (VCV003061267.2), dbSNP rs2510632428, ClinGen allele CA2695227233.

ClinVar aggregate classification (germline): Pathogenic (0 of 4 stars; one submission).

Conditions:
GATA6-related disorder. Also called: GATA6-related condition.

Submission:

PreventionGenetics, part of Exact Sciences
Classification: Pathogenic for GATA6-related condition. Last evaluated: 2024-02-23. Review status: no assertion criteria provided. Collection method: clinical testing. Allele origin: germline.
Comment: The GATA6 c.1498_1501delAAAT variant is predicted to result in a frameshift and premature protein termination (p.Lys500Glnfs*14). This variant has been reported in an individual with pancreatic agenesis and congenital heart defects (Table S4, Allen et al. 2011. PubMed ID: 22158542) and in a patient with congenital heart defects and renal anomalies (described as c.1492_1495del, Table S4, Liu et al. 2022. PubMed ID: 36549658). This variant has not been reported in a large population database, indicating this variant is rare. Frameshift variants in GATA6 are expected to be pathogenic. This variant is interpreted as pathogenic.